The following is an entry in ClinVar:

ClinVar aggregate classification (germline): Likely pathogenic. Review status: criteria provided, multiple submitters, no conflicts (2 of 4 stars). 3 submissions from 3 submitters: Likely pathogenic (3). Last evaluated 2024-05-31.

Conditions:
Ocular albinism, type I (OA1). Also called: Ocular Albinism type 1; X-linked recessive ocular albinism; Ocular albinism, type I, Nettleship-Falls type; NETTLESHIP-FALLS TYPE OCULAR ALBINISM. Identifiers: Orphanet 54, MedGen C0342684, MONDO:0021019, OMIM 300500.
Nystagmus 6, congenital, X-linked (NYS6). Identifiers: MedGen C3151752, MONDO:0010435, OMIM 300814.

Submissions (3):

Women's Health and Genetics/Laboratory Corporation of America, LabCorp
Classification: Likely pathogenic for Ocular albinism, type I. Last evaluated: 2024-05-31. Review status: criteria provided, single submitter. Criteria: LabCorp Variant Classification Summary - May 2015. Collection method: clinical testing. Allele origin: germline.
Comment: Variant summary: GPR143 c.935G>T (p.Gly312Val) results in a non-conservative amino acid change in the encoded protein sequence. Four of four in-silico tools predict a damaging effect of the variant on protein function. The variant was absent in 1187535 control chromosomes in the gnomAD database (v4.1 dataset). c.935G>T has been reported in the literature in individuals affected with Ocular albinism, type I (Preising_2011). These data indicate that the variant is likely to be associated with disease. To our knowledge, no experimental evidence demonstrating an impact on protein function has been reported. The following publication have been ascertained in the context of this evaluation (PMID: 21541274). ClinVar contains an entry for this variant (Variation ID: 1012853). Based on the evidence outlined above, the variant was classified as likely pathogenic.

Fulgent Genetics
Classification: Likely pathogenic for Ocular albinism, type I; Nystagmus 6, congenital, X-linked. Last evaluated: 2024-05-30. Review status: criteria provided, single submitter. Criteria: ACMG Guidelines, 2015. Collection method: clinical testing. Allele origin: germline.

CeGaT Center for Human Genetics Tuebingen
Classification: Likely pathogenic. Last evaluated: 2020-10-01. Review status: criteria provided, single submitter. Criteria: CeGaT Center For Human Genetics Tuebingen Variant Classification Criteria Version 2. Collection method: clinical testing. Allele origin: germline. Affected: yes. Observed: 1 variant allele.

Literature cited by the submitters: PubMed 21541274 (cited by Women's Health and Genetics/Laboratory Corporation of America, LabCorp).

NM_000273.3(GPR143):c.935G>T (p.Gly312Val)

Gene: GPR143 (G protein-coupled receptor 143; minus strand). Cytogenetic location: Xp22.2.
Variant type: single nucleotide variant.
Coding change: c.935G>T on transcript NM_000273.3 (MANE Select); coding-DNA position 935, G replaced by T.
Protein change: p.Gly312Val; replaces glycine 312 with valine.
Molecular consequence: missense variant.
Genome position (GRCh38, 1-based): chrX:9,739,670, C>A on the plus strand (G>T on the coding strand, the complement: GPR143 is on the minus strand). VCF-style: chrX-9739670-C-A. GRCh37 (hg19) VCF-style: chrX-9707710-C-A.
Other names: short protein forms G312V.
Identifiers: ClinVar variation 1012853 (VCV001012853.40), dbSNP rs2083394185, ClinGen allele CA411995428.